The following is an entry in ClinVar:

NM_005045.4(RELN):c.3895T>C (p.Tyr1299His)

Gene: RELN (reelin; minus strand). Cytogenetic location: 7q22.1.
Variant type: single nucleotide variant.
Coding change: c.3895T>C on transcript NM_005045.4 (MANE Select); coding-DNA position 3895, T replaced by C.
Protein change: p.Tyr1299His; replaces tyrosine 1299 with histidine.
Molecular consequence: missense variant.
Genome position (GRCh38, 1-based): chr7:103,593,699, A>G on the plus strand (T>C on the coding strand, the complement: RELN is on the minus strand). VCF-style: chr7-103593699-A-G. GRCh37 (hg19) VCF-style: chr7-103234146-A-G.
Other names: c.3895T>C, p.Tyr1299His (NM_173054.3); short protein forms Y1299H.
Identifiers: ClinVar variation 2102355 (VCV002102355.4), dbSNP rs1274780527, ClinGen allele CA368756890.
Genomic context (GRCh38, chr7:103,593,699, plus strand): 5'-TTACTCCTTAACTTGCTCTGGGAAGAAGCTTGTGCATAAATACCTTGAACTGTAGCACAT[A>G]TCCAGGTTTCAGGGTCAAATCTCGAGTTACTGCAAATCGATCTCCATCTGATTTTCCAAA-3'
Protein context (NP_005036.2, residues 1289-1309): VTRDLTLKPG[Tyr1299His]VLQFKLNIGC

ClinVar aggregate classification (germline): Uncertain significance (1 of 4 stars; one submission).

Conditions:
Familial temporal lobe epilepsy 7. Identifiers: Orphanet 101046, MedGen C4225327, MONDO:0014639, OMIM 616436.
Norman-Roberts syndrome (LIS2). Also called: Lissencephaly 2 (Norman-Roberts type). Identifiers: Orphanet 89844, MedGen C0796089, MONDO:0009760, OMIM 257320.

Allele frequency attached by ClinVar (database versions not stated): gnomAD exomes below 0.00001; gnomAD 0.00001.
gnomAD v4.1: 2 of 1,613,506 alleles (0.00012%); highest among the groups gnomAD compares: Non-Finnish European, 0.00017%; no homozygotes.

Submission:

Labcorp Genetics (formerly Invitae), Labcorp
Classification: Uncertain significance for Familial temporal lobe epilepsy 7; Norman-Roberts syndrome. Last evaluated: 2023-12-11. Review status: criteria provided, single submitter. Criteria: Invitae Variant Classification Sherloc (09022015). Collection method: clinical testing. Allele origin: germline.
Comment: This sequence change replaces tyrosine, which is neutral and polar, with histidine, which is basic and polar, at codon 1299 of the RELN protein (p.Tyr1299His). This variant is present in population databases (no rsID available, gnomAD 0.0009%). This variant has not been reported in the literature in individuals affected with RELN-related conditions. ClinVar contains an entry for this variant (Variation ID: 2102355). Advanced modeling of protein sequence and biophysical properties (such as structural, functional, and spatial information, amino acid conservation, physicochemical variation, residue mobility, and thermodynamic stability) performed at Invitae indicates that this missense variant is not expected to disrupt RELN protein function with a negative predictive value of 80%. In summary, the available evidence is currently insufficient to determine the role of this variant in disease. Therefore, it has been classified as a Variant of Uncertain Significance.